The following is an entry in ClinVar:

NM_005359.6(SMAD4):c.168T>A (p.Ser56=)

Gene: SMAD4 (SMAD family member 4; plus strand). Cytogenetic location: 18q21.2.
Variant type: single nucleotide variant.
Coding change: c.168T>A on transcript NM_005359.6 (MANE Select); coding-DNA position 168, T replaced by A.
Protein change: p.Ser56=; no amino-acid change (serine 56 retained).
Molecular consequence: synonymous variant.
Genome position (GRCh38, 1-based): chr18:51,047,214, T>A. VCF-style: chr18-51047214-T-A. GRCh37 (hg19) VCF-style: chr18-48573584-T-A.
Identifiers: ClinVar variation 484820 (VCV000484820.16), dbSNP rs1333506128, ClinGen allele CA503873465.

ClinVar aggregate classification (germline): Benign/Likely benign. Review status: criteria provided, multiple submitters, no conflicts (2 of 4 stars). 4 submissions from 4 submitters: Benign (1); Likely benign (3). Last evaluated 2025-03-18.

Conditions:
Juvenile polyposis syndrome (JPS). Identifiers: Orphanet 2929, MedGen C0345893, MONDO:0017380, OMIM 174900.
Hereditary cancer-predisposing syndrome. Also called: Hereditary neoplastic syndrome; Tumor predisposition; Neoplastic Syndromes, Hereditary; Hereditary Cancer Syndrome. Identifiers: Orphanet 140162, MedGen C0027672, MeSH D009386, MONDO:0015356.
Familial thoracic aortic aneurysm and aortic dissection (TAAD). Also called: Thoracic aortic aneurysms and dissections. Identifiers: Orphanet 91387, MedGen C4707243, MONDO:0019625.
Juvenile polyposis/hereditary hemorrhagic telangiectasia syndrome (JPHT). Also called: Juvenile Polyposis Syndrome / Hereditary Hemorrhagic Telangiectasia (JPS/HHT); JP/HHT SYNDROME; JUVENILE POLYPOSIS WITH HEREDITARY HEMORRHAGIC TELANGIECTASIA; POLYPOSIS, GENERALIZED JUVENILE, WITH PULMONARY ARTERIOVENOUS MALFORMATION; TELANGIECTASIA, HEREDITARY HEMORRHAGIC, WITH JUVENILE POLYPOSIS COLI. Identifiers: Orphanet 2929, MedGen C1832942, MONDO:0008278, OMIM 175050.

Allele frequency attached by ClinVar (database versions not stated): gnomAD exomes below 0.00001.
gnomAD v4.1: 1 of 1,613,898 alleles (0.000062%); highest among the groups gnomAD compares: Non-Finnish European, 0.000085%; no homozygotes.

Submissions (4):

Myriad Genetics, Inc.
Classification: Benign for Juvenile polyposis/hereditary hemorrhagic telangiectasia syndrome. Last evaluated: 2025-03-18. Review status: criteria provided, single submitter. Criteria: Myriad Autosomal Dominant, Autosomal Recessive and X-Linked Classification Criteria (2023). Collection method: clinical testing. Allele origin: unknown.
Comment: This variant is considered benign. This variant is a silent/synonymous amino acid change and it is not expected to impact splicing.

Labcorp Genetics (formerly Invitae), Labcorp
Classification: Likely benign for Juvenile polyposis syndrome. Last evaluated: 2024-10-23. Review status: criteria provided, single submitter. Criteria: Invitae Variant Classification Sherloc (09022015). Collection method: clinical testing. Allele origin: germline.

All of Us Research Program, National Institutes of Health
Classification: Likely benign for Juvenile polyposis/hereditary hemorrhagic telangiectasia syndrome. Last evaluated: 2023-05-04. Review status: criteria provided, single submitter. Criteria: ACMG Guidelines, 2015. Collection method: clinical testing. Allele origin: germline. Inheritance: Autosomal dominant inheritance. Observed: 1 variant allele, 1 heterozygote.
Comment: This study involves interpretation of variants in research participants for the purpose of population health screening. Participant phenotype was not available at the time of variant classification. Additional details can be found in publication PMID: 35346344, PMCID: PMC8962531

Ambry Genetics
Classification: Likely benign for Hereditary cancer-predisposing syndrome; Familial thoracic aortic aneurysm and aortic dissection. Last evaluated: 2017-01-11. Review status: criteria provided, single submitter. Criteria: Ambry Variant Classification Scheme 2023. Collection method: clinical testing. Allele origin: germline.